The following is an entry in ClinVar:

ClinVar aggregate classification (germline): Likely benign (1 of 4 stars; one submission).

Allele frequency attached by ClinVar (database versions not stated): gnomAD exomes 0.00076 and 0.00276; ExAC 0.00427; gnomAD 0.00792 and 0.00835; 1000 Genomes Project 30x 0.00921; TOPMed 0.00931; 1000 Genomes Project 0.00958; ESP Exome Variant Server 0.00967.

Submission:

GeneDx
Classification: Likely benign. Last evaluated: 2021-02-24. Review status: criteria provided, single submitter. Criteria: GeneDx Variant Classification Process June 2021. Collection method: clinical testing. Allele origin: germline. Affected: yes.
Comment: See Variant Classification Assertion Criteria.

NM_003773.5(HYAL2):c.-9G>A

Gene: HYAL2 (hyaluronidase 2; minus strand). Cytogenetic location: 3p21.31.
Variant type: single nucleotide variant.
Coding change: c.-9G>A on transcript NM_003773.5 (MANE Select); 9 bases upstream of the start codon, G replaced by A.
Molecular consequence: 5 prime UTR variant.
Genome position (GRCh38, 1-based): chr3:50,320,498, C>T on the plus strand (G>A on the coding strand, the complement: HYAL2 is on the minus strand). VCF-style: chr3-50320498-C-T. GRCh37 (hg19) VCF-style: chr3-50357929-C-T.
Other names: c.-9G>A (NM_033158.5).
Identifiers: ClinVar variation 1691221 (VCV001691221.2), dbSNP rs7629425, ClinGen allele CA2416383.